The following is an entry in ClinVar:

ClinVar aggregate classification (germline): Uncertain significance. Review status: criteria provided, multiple submitters, no conflicts (2 of 4 stars). 2 submissions from 2 submitters: Uncertain significance (2). Last evaluated 2024-02-26.

Conditions:
Imerslund-Grasbeck syndrome type 1 (IGS1). Also called: MEGALOBLASTIC ANEMIA, 1; Megaloblastic anemia 1, Finnish type; Imerslund-Gräsbeck syndrome 1. Identifiers: MedGen C4016819, MONDO:0100156, OMIM 261100.
Proteinuria, chronic benign. Identifiers: MedGen C5394384, MONDO:0030042, OMIM 618884.

gnomAD v4.1: 2 of 1,613,980 alleles (0.00012%); highest among the groups gnomAD compares: African/African-American, 0.0027%; no homozygotes.

Submissions (2):

GeneDx
Classification: Uncertain significance. Last evaluated: 2024-02-26. Review status: criteria provided, single submitter. Criteria: GeneDx Variant Classification Process June 2021. Collection method: clinical testing. Allele origin: germline. Affected: yes.
Comment: Not observed at significant frequency in large population cohorts (gnomAD); In silico analysis supports that this missense variant has a deleterious effect on protein structure/function; Has not been previously published as pathogenic or benign to our knowledge

Fulgent Genetics
Classification: Uncertain significance for Imerslund-Grasbeck syndrome type 1; Proteinuria, chronic benign. Last evaluated: 2024-02-21. Review status: criteria provided, single submitter. Criteria: ACMG Guidelines, 2015. Collection method: clinical testing. Allele origin: germline.

NM_001081.4(CUBN):c.5597C>G (p.Pro1866Arg)

Gene: CUBN (cubilin; minus strand). Cytogenetic location: 10p13.
Variant type: single nucleotide variant.
Coding change: c.5597C>G on transcript NM_001081.4 (MANE Select); coding-DNA position 5597, C replaced by G.
Protein change: p.Pro1866Arg; replaces proline 1866 with arginine.
Molecular consequence: missense variant.
Genome position (GRCh38, 1-based): chr10:16,939,099, G>C on the plus strand (C>G on the coding strand, the complement: CUBN is on the minus strand). VCF-style: chr10-16939099-G-C. GRCh37 (hg19) VCF-style: chr10-16981098-G-C.
Other names: short protein forms P1866R.
Identifiers: ClinVar variation 3369357 (VCV003369357.2).
Genomic context (GRCh38, chr10:16,939,099, plus strand): 5'-GCATTCACATTTACTGTCCATTGGTAATTGGAGTTATGTGGGTAGTTTTCAGGCCAGAAA[G>C]GAGAGGCGACTTTCCCATGAGTTCCCACAATATTATCATTGCCAAATACTAGGAGGGAAG-3'
Protein context (NP_001072.2, residues 1856-1876): IVGTHGKVAS[Pro1866Arg]FWPENYPHNS